The following is an entry in ClinVar:

NM_006231.4(POLE):c.3971G>T (p.Arg1324Leu)

Gene: POLE (DNA polymerase epsilon, catalytic subunit; minus strand). Cytogenetic location: 12q24.33.
Variant type: single nucleotide variant.
Coding change: c.3971G>T on transcript NM_006231.4 (MANE Select); coding-DNA position 3971, G replaced by T.
Protein change: p.Arg1324Leu; replaces arginine 1324 with leucine.
Molecular consequence: missense variant.
Genome position (GRCh38, 1-based): chr12:132,649,340, C>A on the plus strand (G>T on the coding strand, the complement: POLE is on the minus strand). VCF-style: chr12-132649340-C-A. GRCh37 (hg19) VCF-style: chr12-133225926-C-A.
Other names: short protein forms R1324L.
Identifiers: ClinVar variation 240496 (VCV000240496.14), dbSNP rs143981093, ClinGen allele CA10582996.
Genomic context (GRCh38, chr12:132,649,340, plus strand): 5'-CCCTCCCCTTGGATCAAGGTCTATACCTGCACAATCTGCCACGGAAGGTCCAGGATGCTG[C>A]GGGCAGTTCTTCGCAAGAAGCTCCCCAGCCCCGTGGCAGGACCATCCCGGATGGCCCCGG-3'
Protein context (NP_006222.2, residues 1314-1334): GLGSFLRRTA[Arg1324Leu]SILDLPWQIV

ClinVar aggregate classification (germline): Uncertain significance. Review status: criteria provided, multiple submitters, no conflicts (2 of 4 stars). 3 submissions from 3 submitters: Uncertain significance (3). Last evaluated 2025-08-07.

Conditions:
Hereditary cancer-predisposing syndrome. Also called: Hereditary Cancer Syndrome; Tumor predisposition; Hereditary neoplastic syndrome; Neoplastic Syndromes, Hereditary. Identifiers: Orphanet 140162, MedGen C0027672, MeSH D009386, MONDO:0015356.

Allele frequency attached by ClinVar (database versions not stated): TOPMed 0.00001.
gnomAD v4.1: 6 of 1,613,640 alleles (0.00037%); highest among the groups gnomAD compares: Non-Finnish European, 0.00051%; no homozygotes.

Submissions (3):

GeneDx
Classification: Uncertain significance. Last evaluated: 2025-08-07. Review status: criteria provided, single submitter. Criteria: GeneDx Variant Classification Process June 2021. Collection method: clinical testing. Allele origin: germline.
Comment: Not observed at significant frequency in large population cohorts (gnomAD); In silico analysis supports that this missense variant has a deleterious effect on protein structure/function; Has not been previously published as pathogenic or benign to our knowledge

Labcorp Genetics (formerly Invitae), Labcorp
Classification: Uncertain significance. Last evaluated: 2024-04-27. Review status: criteria provided, single submitter. Criteria: Invitae Variant Classification Sherloc (09022015). Collection method: clinical testing. Allele origin: germline.
Comment: This sequence change replaces arginine, which is basic and polar, with leucine, which is neutral and non-polar, at codon 1324 of the POLE protein (p.Arg1324Leu). This variant is present in population databases (no rsID available, gnomAD 0.002%). This variant has not been reported in the literature in individuals affected with POLE-related conditions. ClinVar contains an entry for this variant (Variation ID: 240496). Advanced modeling of protein sequence and biophysical properties (such as structural, functional, and spatial information, amino acid conservation, physicochemical variation, residue mobility, and thermodynamic stability) performed at Invitae indicates that this missense variant is not expected to disrupt POLE protein function with a negative predictive value of 80%. In summary, the available evidence is currently insufficient to determine the role of this variant in disease. Therefore, it has been classified as a Variant of Uncertain Significance.

Ambry Genetics
Classification: Uncertain significance for Hereditary cancer-predisposing syndrome. Last evaluated: 2023-12-29. Review status: criteria provided, single submitter. Criteria: Ambry Variant Classification Scheme 2023. Collection method: clinical testing. Allele origin: germline.
Comment: The p.R1324L variant (also known as c.3971G>T), located in coding exon 31 of the POLE gene, results from a G to T substitution at nucleotide position 3971. The arginine at codon 1324 is replaced by leucine, an amino acid with dissimilar properties. This amino acid position is conserved. In addition, the in silico prediction for this alteration is inconclusive. Since supporting evidence is limited at this time, the clinical significance of this alteration remains unclear.